The following is an entry in ClinVar:

t(8;9)(q13.1;p22.3)

Genes: MYBL1 (MYB proto-oncogene like 1; minus strand), NFIB (nuclear factor I B; minus strand). Cytogenetic location: 9p23.
Variant type: Translocation.
Identifiers: ClinVar variation 495136 (VCV000495136.1).

ClinVar aggregate classification (germline): Pathogenic (0 of 4 stars; one submission).

Conditions:
Adenoid cystic carcinoma. Also called: Adenocystic carcinoma. Identifiers: MedGen C0010606, MeSH D003528, MONDO:0004971.

Submission:

Genome Sciences Centre, British Columbia Cancer Agency
Classification: Pathogenic for Adenoid cystic carcinoma. Last evaluated: 2018-02-01. Review status: no assertion criteria provided. Collection method: research. Allele origin: somatic. Inheritance: Somatic mutation. Affected: yes. Observed: 1 variant allele.
Comment: Gene fusion known to be causative in this disease type.